The following is an entry in ClinVar:

ClinVar aggregate classification (germline): Conflicting classifications of pathogenicity. Review status: criteria provided, conflicting classifications (1 of 4 stars). 2 submissions from 2 submitters: Uncertain significance (1); Likely benign (1). Last evaluated 2025-05-21.

Conditions:
Hereditary cancer-predisposing syndrome. Also called: Tumor predisposition; Hereditary neoplastic syndrome; Hereditary Cancer Syndrome; Neoplastic Syndromes, Hereditary. Identifiers: Orphanet 140162, MedGen C0027672, MeSH D009386, MONDO:0015356.

Submissions (2):

Ambry Genetics
Classification: Uncertain significance for Hereditary cancer-predisposing syndrome. Last evaluated: 2025-05-21. Review status: criteria provided, single submitter. Criteria: Ambry Variant Classification Scheme 2023. Collection method: clinical testing. Allele origin: germline.
Comment: The c.1762A>C variant (also known as p.R588R), located in coding exon 12 of the MSH3 gene, results from an A to C substitution at nucleotide position 1762. This nucleotide substitution does not change the arginine at codon 588. This nucleotide position is well conserved in available vertebrate species. In silico splice site analysis for this alteration is inconclusive. Based on the available evidence, the clinical significance of this variant remains unclear.

Labcorp Genetics (formerly Invitae), Labcorp
Classification: Likely benign. Last evaluated: 2025-02-10. Review status: criteria provided, single submitter. Criteria: Invitae Variant Classification Sherloc (09022015). Collection method: clinical testing. Allele origin: germline.

NM_002439.5(MSH3):c.1762A>C (p.Arg588=)

Gene: MSH3 (mutS homolog 3; plus strand). Cytogenetic location: 5q14.1.
Variant type: single nucleotide variant.
Coding change: c.1762A>C on transcript NM_002439.5 (MANE Select); coding-DNA position 1762, A replaced by C.
Protein change: p.Arg588=; no amino-acid change (arginine 588 retained).
Molecular consequence: synonymous variant.
Genome position (GRCh38, 1-based): chr5:80,744,614, A>C. VCF-style: chr5-80744614-A-C. GRCh37 (hg19) VCF-style: chr5-80040433-A-C.
Identifiers: ClinVar variation 938634 (VCV000938634.13), dbSNP rs766030476, ClinGen allele CA445160362.